The following is an entry in ClinVar:

NM_000016.6(ACADM):c.489T>G (p.Pro163=)

Gene: ACADM (acyl-CoA dehydrogenase medium chain; plus strand). Cytogenetic location: 1p31.1.
Variant type: single nucleotide variant.
Coding change: c.489T>G on transcript NM_000016.6 (MANE Select); coding-DNA position 489, T replaced by G.
Protein change: p.Pro163=; no amino-acid change (proline 163 retained).
Molecular consequence: synonymous variant. On other transcripts: 5 prime UTR variant (1).
Genome position (GRCh38, 1-based): chr1:75,740,000, T>G. VCF-style: chr1-75740000-T-G. GRCh37 (hg19) VCF-style: chr1-76205685-T-G.
Other names: c.501T>G, p.Pro167= (NM_001127328.3); c.381T>G, p.Pro127= (NM_001286042.2); c.588T>G, p.Pro196= (NM_001286043.2); c.-79T>G (NM_001286044.2).
Identifiers: ClinVar variation 92266 (VCV000092266.37), dbSNP rs78392995, ClinGen allele CA145596.

ClinVar aggregate classification (germline): Benign. Review status: criteria provided, multiple submitters, no conflicts (2 of 4 stars). 10 submissions from 10 submitters: Benign (9). 1 of the submissions does not count toward it. Last evaluated 2026-02-04.

Conditions:
Medium-chain acyl-coenzyme A dehydrogenase deficiency (ACADMD). Also called: CARNITINE DEFICIENCY SECONDARY TO MEDIUM-CHAIN ACYL-CoA DEHYDROGENASE DEFICIENCY; MCAD Deficiency; MCADD; Medium chain acyl-CoA dehydrogenase deficiency; MCADH DEFICIENCY; ACADM DEFICIENCY. Identifiers: Orphanet 42, MedGen C0220710, MONDO:0008721, OMIM 201450.

Allele frequency attached by ClinVar (database versions not stated): gnomAD exomes 0.00568; ExAC 0.00710; gnomAD 0.02010 and 0.02136; 1000 Genomes Project 0.02376; ESP Exome Variant Server 0.02407; 1000 Genomes Project 30x 0.02733; TOPMed 0.02192.
gnomAD v4.1: 6,497 of 1,612,218 alleles (0.4%); highest among the groups gnomAD compares: African/African-American, 6.8%; 217 homozygotes.

Submissions (10):

Labcorp Genetics (formerly Invitae), Labcorp
Classification: Benign for Medium-chain acyl-coenzyme A dehydrogenase deficiency. Last evaluated: 2026-02-04. Review status: criteria provided, single submitter. Criteria: Invitae Variant Classification Sherloc (09022015). Collection method: clinical testing. Allele origin: germline.

ARUP Laboratories, Molecular Genetics and Genomics, ARUP Laboratories
Classification: Benign for Medium-chain acyl-coenzyme A dehydrogenase deficiency. Last evaluated: 2025-04-22. Review status: criteria provided, single submitter. Criteria: ARUP Molecular Germline Variant Investigation Process 2024. Collection method: clinical testing. Allele origin: germline.

Quest Diagnostics Nichols Institute San Juan Capistrano
Classification: Benign. Last evaluated: 2021-09-09. Review status: criteria provided, single submitter. Criteria: Quest Diagnostics criteria. Collection method: clinical testing. Allele origin: unknown.

Women's Health and Genetics/Laboratory Corporation of America, LabCorp
Classification: Benign. Last evaluated: 2020-12-18. Review status: criteria provided, single submitter. Criteria: LabCorp Variant Classification Summary - May 2015. Collection method: clinical testing. Allele origin: germline.

Mayo Clinic Laboratories, Mayo Clinic
Classification: Benign. Last evaluated: 2019-11-27. Review status: criteria provided, single submitter. Criteria: ACMG Guidelines, 2015. Collection method: clinical testing. Allele origin: germline. Observed: 17 variant alleles.

Illumina Laboratory Services, Illumina
Classification: Benign for Medium-chain acyl-coenzyme A dehydrogenase deficiency. Last evaluated: 2018-01-13. Review status: criteria provided, single submitter. Criteria: ICSL Variant Classification Criteria 13 December 2019. Collection method: clinical testing. Allele origin: germline.
Comment: This variant was observed in the ICSL laboratory as part of a predisposition screen in an ostensibly healthy population. It had not been previously curated by ICSL or reported in the Human Gene Mutation Database (HGMD: prior to June 1st, 2018), and was therefore a candidate for classification through an automated scoring system. Utilizing variant allele frequency, disease prevalence and penetrance estimates, and inheritance mode, an automated score was calculated to assess if this variant is too frequent to cause the disease. Based on the score and internal cut-off values, a variant classified as benign is not then subjected to further curation. The score for this variant resulted in a classification of benign for this disease.

GeneDx
Classification: Benign. Last evaluated: 2015-03-03. Review status: criteria provided, single submitter. Criteria: GeneDx Variant Classification Process June 2021. Collection method: clinical testing. Allele origin: germline. Affected: yes.

Eurofins Ntd Llc (ga)
Classification: Benign. Last evaluated: 2012-10-03. Review status: criteria provided, single submitter. Criteria: EGL Classification Definitions 2015. Collection method: clinical testing. Allele origin: germline. Observed: 4 variant alleles, 4 heterozygotes.

Breakthrough Genomics
Classification: Benign. Review status: criteria provided, single submitter. Criteria: ACMG Guidelines, 2015. Collection method: not provided. Allele origin: germline. Inheritance: Autosomal recessive inheritance. Affected: yes.

Natera, Inc.
Classification: Benign for Medium Chain Acyl-CoA Dehydrogenase Deficiency. Last evaluated: 2017-08-09. Review status: no assertion criteria provided. Collection method: clinical testing. Allele origin: germline. Not counted in ClinVar's aggregate classification.